The following is an entry in ClinVar:

NM_198525.3(KIF7):c.3225G>A (p.Ser1075=)

Gene: KIF7 (kinesin family member 7; minus strand). Cytogenetic location: 15q26.1.
Variant type: single nucleotide variant.
Coding change: c.3225G>A on transcript NM_198525.3 (MANE Select); coding-DNA position 3225, G replaced by A.
Protein change: p.Ser1075=; no amino-acid change (serine 1075 retained).
Molecular consequence: synonymous variant.
Genome position (GRCh38, 1-based): chr15:89,630,380, C>T on the plus strand (G>A on the coding strand, the complement: KIF7 is on the minus strand). VCF-style: chr15-89630380-C-T. GRCh37 (hg19) VCF-style: chr15-90173611-C-T.
Identifiers: ClinVar variation 887162 (VCV000887162.24), dbSNP rs375802364, ClinGen allele CA7727791.

ClinVar aggregate classification (germline): Conflicting classifications of pathogenicity. Review status: criteria provided, conflicting classifications (1 of 4 stars). 5 submissions from 5 submitters: Uncertain significance (1); Likely benign (3). 1 of the submissions does not count toward it. Last evaluated 2025-08-31.

Conditions:
Acrocallosal syndrome (ACLS). Also called: HALLUX DUPLICATION, POSTAXIAL POLYDACTYLY, AND ABSENCE OF CORPUS CALLOSUM; Schinzel syndrome 1; Absence of corpus callosum with unusual facial appearance, mental deficiency, duplication of the halluces and polydactyly. Identifiers: Orphanet 36, MedGen C0796147, MONDO:0008708, OMIM 200990.
KIF7-related disorder. Also called: KIF7-related condition.

Allele frequency attached by ClinVar (database versions not stated): TOPMed 0.00005; gnomAD 0.00007 and 0.00008; gnomAD exomes 0.00014; ESP Exome Variant Server 0.00015; ExAC 0.00019.
gnomAD v4.1: 189 of 1,613,908 alleles (0.012%); highest among the groups gnomAD compares: Non-Finnish European, 0.012%; 1 homozygote.

Submissions (5):

Labcorp Genetics (formerly Invitae), Labcorp
Classification: Likely benign for Acrocallosal syndrome. Last evaluated: 2025-08-31. Review status: criteria provided, single submitter. Criteria: Invitae Variant Classification Sherloc (09022015). Collection method: clinical testing. Allele origin: germline.

CeGaT Center for Human Genetics Tuebingen
Classification: Likely benign. Last evaluated: 2025-05-01. Review status: criteria provided, single submitter. Criteria: CeGaT Center For Human Genetics Tuebingen Variant Classification Criteria Version 2. Collection method: clinical testing. Allele origin: germline. Affected: yes. Observed: 4 variant alleles.
Comment: KIF7: BP4, BP7

Blueprint Genetics
Classification: Likely benign. Last evaluated: 2024-09-02. Review status: criteria provided, single submitter. Criteria: ACMG Guidelines, 2015. Collection method: clinical testing. Allele origin: germline.

Illumina Laboratory Services, Illumina
Classification: Uncertain significance for Acrocallosal syndrome. Last evaluated: 2018-01-13. Review status: criteria provided, single submitter. Criteria: ICSL Variant Classification Criteria 13 December 2019. Collection method: clinical testing. Allele origin: germline.

PreventionGenetics, part of Exact Sciences
Classification: Likely benign for KIF7-related condition. Last evaluated: 2022-06-06. Review status: no assertion criteria provided. Collection method: clinical testing. Allele origin: germline. Not counted in ClinVar's aggregate classification.
Comment: This variant is classified as likely benign based on ACMG/AMP sequence variant interpretation guidelines (Richards et al. 2015 PMID: 25741868, with internal and published modifications).